The following is an entry in ClinVar:

ClinVar aggregate classification (germline): Likely benign (0 of 4 stars; one submission).

Conditions:
MYO1F-related disorder. Also called: MYO1F-related condition.

Allele frequency attached by ClinVar (database versions not stated): ExAC 0.00002; gnomAD 0.00005.
gnomAD v4.1: 60 of 1,613,416 alleles (0.0037%); highest among the groups gnomAD compares: African/African-American, 0.012%; no homozygotes.

Submission:

PreventionGenetics, part of Exact Sciences
Classification: Likely benign for MYO1F-related condition. Last evaluated: 2023-02-20. Review status: no assertion criteria provided. Collection method: clinical testing. Allele origin: germline.
Comment: This variant is classified as likely benign based on ACMG/AMP sequence variant interpretation guidelines (Richards et al. 2015 PMID: 25741868, with internal and published modifications).

NM_012335.4(MYO1F):c.2809A>C (p.Arg937=)

Gene: MYO1F (myosin IF; minus strand). Cytogenetic location: 19p13.2.
Variant type: single nucleotide variant.
Coding change: c.2809A>C on transcript NM_012335.4 (MANE Select); coding-DNA position 2809, A replaced by C.
Protein change: p.Arg937=; no amino-acid change (arginine 937 retained).
Molecular consequence: synonymous variant.
Genome position (GRCh38, 1-based): chr19:8,525,524, T>G on the plus strand (A>C on the coding strand, the complement: MYO1F is on the minus strand). VCF-style: chr19-8525524-T-G. GRCh37 (hg19) VCF-style: chr19-8590408-T-G.
Other names: c.2797A>C, p.Arg933= (NM_001348355.2).
Identifiers: ClinVar variation 3031606 (VCV003031606.2), dbSNP rs753576044, ClinGen allele CA9158766.